The following is an entry in ClinVar:

ClinVar aggregate classification (germline): Uncertain significance (1 of 4 stars; one submission).

Conditions:
Neuronal ceroid lipofuscinosis. Also called: Neuronal Ceroid Lipofuscinoses. Identifiers: Orphanet 216, Orphanet 79263, MedGen C0027877, MONDO:0016295. Disease mechanism: loss of function.

Submission:

Labcorp Genetics (formerly Invitae), Labcorp
Classification: Uncertain significance for Neuronal ceroid lipofuscinosis. Last evaluated: 2022-03-19. Review status: criteria provided, single submitter. Criteria: Invitae Variant Classification Sherloc (09022015). Collection method: clinical testing. Allele origin: germline.
Comment: This variant is not present in population databases (gnomAD no frequency). In summary, the available evidence is currently insufficient to determine the role of this variant in disease. Therefore, it has been classified as a Variant of Uncertain Significance. Variants that disrupt the consensus splice site are a relatively common cause of aberrant splicing (PMID: 17576681, 9536098). Algorithms developed to predict the effect of sequence changes on RNA splicing suggest that this variant is not likely to affect RNA splicing. This variant has not been reported in the literature in individuals affected with DNAJC5-related conditions. This sequence change falls in intron 3 of the DNAJC5 gene. It does not directly change the encoded amino acid sequence of the DNAJC5 protein. It affects a nucleotide within the consensus splice site.

Literature cited by the submitters: PubMed 17576681; PubMed 9536098.

NM_025219.3(DNAJC5):c.322-3C>A

Gene: DNAJC5 (DnaJ heat shock protein family (Hsp40) member C5; plus strand). Cytogenetic location: 20q13.33.
Variant type: single nucleotide variant.
Coding change: c.322-3C>A on transcript NM_025219.3 (MANE Select); 3 bases into the intron before coding-DNA position 322, C replaced by A.
Molecular consequence: intron variant.
Genome position (GRCh38, 1-based): chr20:63,930,848, C>A. VCF-style: chr20-63930848-C-A. GRCh37 (hg19) VCF-style: chr20-62562201-C-A.
Identifiers: ClinVar variation 1448865 (VCV001448865.6), dbSNP rs777923854, ClinGen allele CA746501478.
Genomic context (GRCh38, chr20:63,930,848, plus strand): 5'-GTCCTGCGCCTCCCTCTCCAGGGGCCTCGGAGGCCATGCAACACCACCTTCTTCTCCCCC[C>A]AGGCCCTGTTTGTCTTCTGCGGCCTCCTCACGTGCTGCTACTGCTGCTGCTGTCTGTGCT-3'